The following is an entry in ClinVar:

NM_032119.4(ADGRV1):c.12976G>T (p.Ala4326Ser)

Gene: ADGRV1 (adhesion G protein-coupled receptor V1; plus strand). Cytogenetic location: 5q14.3.
Variant type: single nucleotide variant.
Coding change: c.12976G>T on transcript NM_032119.4 (MANE Select); coding-DNA position 12976, G replaced by T.
Protein change: p.Ala4326Ser; replaces alanine 4326 with serine.
Molecular consequence: missense variant. On other transcripts: non-coding transcript variant (1).
Genome position (GRCh38, 1-based): chr5:90,778,991, G>T. VCF-style: chr5-90778991-G-T. GRCh37 (hg19) VCF-style: chr5-90074808-G-T.
Other names: short protein forms A4326S.
Identifiers: ClinVar variation 3620979 (VCV003620979.2).

ClinVar aggregate classification (germline): Uncertain significance (1 of 4 stars; one submission).

gnomAD v4.1: 4 of 1,613,300 alleles (0.00025%); highest among the groups gnomAD compares: African/African-American, 0.0027%; no homozygotes.

Submission:

Labcorp Genetics (formerly Invitae), Labcorp
Classification: Uncertain significance. Last evaluated: 2024-09-15. Review status: criteria provided, single submitter. Criteria: Invitae Variant Classification Sherloc (09022015). Collection method: clinical testing. Allele origin: germline.
Comment: This sequence change replaces alanine, which is neutral and non-polar, with serine, which is neutral and polar, at codon 4326 of the ADGRV1 protein (p.Ala4326Ser). This variant is present in population databases (rs377347874, gnomAD 0.0009%). This variant has not been reported in the literature in individuals affected with ADGRV1-related conditions. Invitae Evidence Modeling of protein sequence and biophysical properties (such as structural, functional, and spatial information, amino acid conservation, physicochemical variation, residue mobility, and thermodynamic stability) indicates that this missense variant is not expected to disrupt ADGRV1 protein function with a negative predictive value of 95%. In summary, the available evidence is currently insufficient to determine the role of this variant in disease. Therefore, it has been classified as a Variant of Uncertain Significance.